The following is an entry in ClinVar:

NM_000038.6(APC):c.646-5611G>C

Gene: APC (APC regulator of WNT signaling pathway; plus strand). Cytogenetic location: 5q22.2.
Variant type: single nucleotide variant.
Coding change: c.646-5611G>C on transcript NM_000038.6 (MANE Select); 5611 bases into the intron before coding-DNA position 646, G replaced by C.
Molecular consequence: intron variant.
Genome position (GRCh38, 1-based): chr5:112,786,835, G>C. VCF-style: chr5-112786835-G-C. GRCh37 (hg19) VCF-style: chr5-112122532-G-C.
Other names: c.646-5611G>C (NM_001354895.2, NM_001127510.3, NM_001354896.2 and 1 more transcripts); c.676-5611G>C (NM_001354897.2, NM_001354902.2); c.675+5932G>C (NM_001127511.3); c.571-5611G>C (NM_001354898.2, NM_001354904.2); c.-390-5611G>C (NM_001354906.2); c.645+5932G>C (NM_001354899.2); c.469-5611G>C (NM_001354900.2, NM_001354901.2, NM_001354905.2).
Identifiers: ClinVar variation 82966 (VCV000082966.2), dbSNP rs2707765, ClinGen allele CA012084.

ClinVar aggregate classification (germline): other (0 of 4 stars; one submission).

Conditions:
Familial colorectal cancer. Identifiers: MedGen CN280943, MONDO:0023113. Disease mechanism: loss of function.

Allele frequency attached by ClinVar (database versions not stated): 1000 Genomes Project 30x 0.44004; 1000 Genomes Project 0.44309; gnomAD 0.39180 and 0.40488; TOPMed 0.40756.
gnomAD v4.1: 61,108 of 150,502 alleles (41%); highest among the groups gnomAD compares: East Asian, 68%; 14,687 homozygotes.

Submission:

Systems Biology Platform Zhejiang California International NanoSystems Institute
Classification: other for Familial colorectal cancer. Review status: no assertion criteria provided. Collection method: not provided. Allele origin: unknown.
ClinVar note: Converted during submission from cancer to other.